The following is an entry in ClinVar:

ClinVar aggregate classification (germline): Uncertain significance (1 of 4 stars; one submission).

Submission:

Labcorp Genetics (formerly Invitae), Labcorp
Classification: Uncertain significance. Last evaluated: 2023-04-22. Review status: criteria provided, single submitter. Criteria: Invitae Variant Classification Sherloc (09022015). Collection method: clinical testing. Allele origin: unknown.
Comment: In summary, the available evidence is currently insufficient to determine the role of this variant in disease. Therefore, it has been classified as a Variant of Uncertain Significance. Experimental studies and prediction algorithms are not available or were not evaluated, and the functional significance of this variant is currently unknown. This variant has not been reported in the literature in individuals affected with COL4A4-related conditions. This variant is a gross deletion of the genomic region encompassing exon(s) 8 of the COL4A4 gene. This variant would be expected to be in-frame, preserving the integrity of the reading frame.

NC_000002.11:g.(?_227979324)_(227979432_?)del

Gene: COL4A4 (collagen type IV alpha 4 chain; minus strand). Cytogenetic location: 2q36.3.
Variant type: Deletion.
Identifiers: ClinVar variation 3247448 (VCV003247448.1).